The following is an entry in ClinVar:

NM_001164277.2(SLC37A4):c.381G>A (p.Lys127=)

Gene: SLC37A4 (solute carrier family 37 member 4; minus strand). Cytogenetic location: 11q23.3.
Variant type: single nucleotide variant.
Coding change: c.381G>A on transcript NM_001164277.2 (MANE Select); coding-DNA position 381, G replaced by A.
Protein change: p.Lys127=; no amino-acid change (lysine 127 retained).
Molecular consequence: synonymous variant.
Genome position (GRCh38, 1-based): chr11:119,028,194, C>T on the plus strand (G>A on the coding strand, the complement: SLC37A4 is on the minus strand). VCF-style: chr11-119028194-C-T. GRCh37 (hg19) VCF-style: chr11-118898904-C-T.
Other names: c.381G>A, p.Lys127= (NM_001164278.2, NM_001164280.2, NM_001467.6); c.162G>A, p.Lys54= (NM_001164279.2).
Identifiers: ClinVar variation 1419191 (VCV001419191.6), dbSNP rs1315203966, ClinGen allele CA477126498.

ClinVar aggregate classification (germline): Uncertain significance (1 of 4 stars; one submission).

Conditions:
Glucose-6-phosphate transport defect (GSD1B). Also called: Glycogen Storage Disease Type Ib; GSD Ib. Identifiers: Orphanet 364, Orphanet 79259, MedGen C0268146, MONDO:0009288, OMIM 232220.

Submission:

Labcorp Genetics (formerly Invitae), Labcorp
Classification: Uncertain significance for Glucose-6-phosphate transport defect. Last evaluated: 2021-06-06. Review status: criteria provided, single submitter. Criteria: Invitae Variant Classification Sherloc (09022015). Collection method: clinical testing. Allele origin: germline.
Comment: This variant is not present in population databases (ExAC no frequency). This variant has not been reported in the literature in individuals with SLC37A4-related conditions. Nucleotide substitutions within the consensus splice site are a relatively common cause of aberrant splicing (PMID: 17576681, 9536098). Algorithms developed to predict the effect of sequence changes on RNA splicing suggest that this variant may disrupt the consensus splice site, but this prediction has not been confirmed by published transcriptional studies. In summary, the available evidence is currently insufficient to determine the role of this variant in disease. Therefore, it has been classified as a Variant of Uncertain Significance. This sequence change affects codon 127 of the SLC37A4 mRNA. It is a 'silent' change, meaning that it does not change the encoded amino acid sequence of the SLC37A4 protein. This variant also falls at the last nucleotide of exon 4, which is part of the consensus splice site for this exon.

Literature cited by the submitters: PubMed 17576681; PubMed 9536098.